The following is an entry in ClinVar:

NM_014915.3(ANKRD26):c.1636G>A (p.Val546Ile)

Gene: ANKRD26 (ankyrin repeat domain containing 26; minus strand). Cytogenetic location: 10p12.1.
Variant type: single nucleotide variant.
Coding change: c.1636G>A on transcript NM_014915.3 (MANE Select); coding-DNA position 1636, G replaced by A.
Protein change: p.Val546Ile; replaces valine 546 with isoleucine.
Molecular consequence: missense variant.
Genome position (GRCh38, 1-based): chr10:27,048,979, C>T on the plus strand (G>A on the coding strand, the complement: ANKRD26 is on the minus strand). VCF-style: chr10-27048979-C-T. GRCh37 (hg19) VCF-style: chr10-27337908-C-T.
Other names: c.1636G>A, p.Val546Ile (NM_001256053.2); short protein forms V546I.
Identifiers: ClinVar variation 4102754 (VCV004102754.1).

ClinVar aggregate classification (germline): Uncertain significance (1 of 4 stars; one submission).

Conditions:
Inborn genetic diseases. Identifiers: MedGen C0950123, MeSH D030342.

Submission:

Ambry Genetics
Classification: Uncertain significance for Inborn genetic diseases. Last evaluated: 2025-06-15. Review status: criteria provided, single submitter. Criteria: Ambry Variant Classification Scheme 2023. Collection method: clinical testing. Allele origin: germline.
Comment: The p.V546I variant (also known as c.1636G>A) is located in coding exon 17 of the ANKRD26 gene. The valine at codon 546 is replaced by isoleucine, an amino acid with highly similar properties. This change occurs in the first base pair of coding exon 17. This amino acid position is conserved. In addition, this alteration is predicted to be tolerated by in silico analysis. Based on the available evidence, the clinical significance of this variant remains unclear.